The following is an entry in ClinVar:

ClinVar aggregate classification (germline): Likely benign (1 of 4 stars; one submission).

Allele frequency attached by ClinVar (database versions not stated): ExAC 0.00009; gnomAD 0.00009.
gnomAD v4.1: 45 of 1,126,011 alleles (0.004%); highest among the groups gnomAD compares: Non-Finnish European, 0.00049%; no homozygotes.

Submission:

CeGaT Center for Human Genetics Tuebingen
Classification: Likely benign. Last evaluated: 2022-12-01. Review status: criteria provided, single submitter. Criteria: CeGaT Center For Human Genetics Tuebingen Variant Classification Criteria Version 2. Collection method: clinical testing. Allele origin: germline. Affected: yes. Observed: 1 variant allele.
Comment: CA5B: BS2

NM_007220.4(CA5B):c.459+1G>T

Genes: CA5B (carbonic anhydrase 5B; plus strand), CA5BP1-CA5B (CA5BP1-CA5B readthrough; plus strand). Cytogenetic location: Xp22.2.
Variant type: single nucleotide variant.
Coding change: c.459+1G>T on transcript NM_007220.4 (MANE Select); the canonical splice donor site of the intron after coding-DNA position 459, G replaced by T.
Molecular consequence: splice donor variant.
Genome position (GRCh38, 1-based): chrX:15,772,615, G>T. VCF-style: chrX-15772615-G-T. GRCh37 (hg19) VCF-style: chrX-15790738-G-T.
Identifiers: ClinVar variation 2660058 (VCV002660058.24), dbSNP rs755161378, ClinGen allele CA10355935.
Genomic context (GRCh38, chrX:15,772,615, plus strand): 5'-GGGGCCATCGATGCCTGGGGTTCTGAGCACACCGTGGACAGCAAATGCTTCCCAGCAGAG[G>T]TATGTTGAGAAGGTCAGGAACAGTGACAACTGTAGAGAAGTGGGGATAATTCTGAACTTT-3'